The following is an entry in ClinVar:

NC_000002.12:g.121530939G>A

Genes: CLASP1 (cytoplasmic linker associated protein 1; minus strand), CLASP1-AS1 (CLASP1 antisense RNA 1; plus strand), RNU4ATAC (RNA, U4atac small nuclear; plus strand). Cytogenetic location: 2q14.2.
Variant type: single nucleotide variant.
Molecular consequence: intron variant (on NM_001395891.1).
Genome position: GRCh38 VCF-style: chr2-121530939-G-A. GRCh37 (hg19) VCF-style: chr2-122288515-G-A.
Other names: c.196-614C>T (NM_001378005.1, NM_001142274.2, NM_015282.3 and 5 more transcripts).
Identifiers: ClinVar variation 1478329 (VCV001478329.4), dbSNP rs770147655, ClinGen allele CA1854711.

ClinVar aggregate classification (germline): Conflicting classifications of pathogenicity. Review status: criteria provided, conflicting classifications (1 of 4 stars). 2 submissions from 2 submitters: Likely pathogenic (1); Uncertain significance (1). Last evaluated 2025-11-25.

Conditions:
RNU4ATAC spectrum disorder. Also called: RNU4atac-opathy. Identifiers: MedGen CN377746, MONDO:0100558.

Allele frequency attached by ClinVar (database versions not stated): gnomAD 0.00004; ExAC 0.00019.
gnomAD v4.1: 49 of 700,418 alleles (0.007%); highest among the groups gnomAD compares: Admixed American, 0.02%; no homozygotes.

Submissions (2):

Labcorp Genetics (formerly Invitae), Labcorp
Classification: Uncertain significance. Last evaluated: 2025-11-25. Review status: criteria provided, single submitter. Criteria: Invitae Variant Classification Sherloc (09022015). Collection method: clinical testing. Allele origin: germline.
Comment: This variant occurs in the RNU4ATAC gene, which encodes an RNA molecule that does not result in a protein product. This variant is present in population databases (rs770147655, gnomAD 0.02%). This variant has not been reported in the literature in individuals affected with RNU4ATAC-related conditions. ClinVar contains an entry for this variant (Variation ID: 1478329). Experimental studies and prediction algorithms are not available or were not evaluated, and the functional significance of this variant is currently unknown. In summary, the available evidence is currently insufficient to determine the role of this variant in disease. Therefore, it has been classified as a Variant of Uncertain Significance.

Broad Center for Mendelian Genomics, Broad Institute of MIT and Harvard
Classification: Likely pathogenic for RNU4ATAC spectrum disorder. Last evaluated: 2025-08-15. Review status: criteria provided, single submitter. Criteria: Ellingford et al. (Genome Med. 2022). Collection method: curation. Allele origin: germline. Inheritance: Autosomal recessive inheritance.
Comment: The heterozygous n.60G>A variant in RNU4ATAC was identified by our study, in the compound heterozygous state, in two unrelated individuals with RNU4ATAC spectrum disorder. The variant has not been previously reported in the literature in individuals with RNU4ATAC spectrum disorder, but has been identified in 0.02% (10/50014) of Admixed American chromosomes by the Genome Aggregation Database (gnomAD; dbSNP rs770147655). Although this variant has been seen in the general population in a heterozygous state, its frequency is not high enough to rule out a pathogenic role. This variant has also been reported in ClinVar (VCV001478329.3) and has been interpreted as a variant of uncertain significance by Labcorp Genetics. Of the two affected individuals, one was a compound heterozygote that carried a reported pathogenic variant in trans, which increases the likelihood that the n.60G>A variant is pathogenic (VCV000218085.40). RNAseq analysis performed on affected tissue shows a signature of significant minor intron retention. However, these types of assays may not accurately represent biological function. In summary, although additional studies are required to fully establish its clinical significance, this variant is likely pathogenic for autosomal recessive RNU4ATAC spectrum disorder. ACMG/AMP Criteria applied: PS3, PM3 (Richards 2015).